The following is an entry in ClinVar:

ClinVar aggregate classification (germline): Pathogenic (1 of 4 stars; one submission).

Conditions:
Hereditary cancer-predisposing syndrome. Also called: Hereditary Cancer Syndrome; Neoplastic Syndromes, Hereditary; Tumor predisposition; Hereditary neoplastic syndrome. Identifiers: Orphanet 140162, MedGen C0027672, MeSH D009386, MONDO:0015356.

Submission:

Ambry Genetics
Classification: Pathogenic for Hereditary cancer-predisposing syndrome. Last evaluated: 2017-01-20. Review status: criteria provided, single submitter. Criteria: Ambry Variant Classification Scheme 2023. Collection method: clinical testing. Allele origin: germline.
Comment: The c.5296dupA pathogenic mutation, located in coding exon 19 of the BRCA1 gene, results from a duplication of A at nucleotide position 5296, causing a translational frameshift with a predicted alternate stop codon (p.I1766Nfs*64). This alteration is expected to result in loss of function by premature protein truncation. As such, this alteration is interpreted as a disease-causing mutation.

NM_007294.4(BRCA1):c.5296dup (p.Ile1766fs)

Gene: BRCA1 (BRCA1 DNA repair associated; minus strand). Cytogenetic location: 17q21.31.
Variant type: Duplication.
Coding change: c.5296dup on transcript NM_007294.4 (MANE Select); coding-DNA position 5296, one base duplicated (A; older notation c.5296dupA).
Protein change: p.Ile1766fs; shifts the reading frame from isoleucine 1766.
Molecular consequence: frameshift variant. On other transcripts: non-coding transcript variant (1).
Genome position (GRCh38, 1-based): chr17:43,051,099, T duplicated on the plus strand (A on the coding strand, the reverse complement: BRCA1 is on the minus strand); the first of 3 consecutive T bases (chr17:43,051,099-43,051,101); duplicating any one gives the same sequence. VCF-style (leftmost placement, unchanged base first): chr17-43051098-A-AT. GRCh37 (hg19) VCF-style: chr17-41203115-A-AT.
Other names: c.5296dupA (NM_007294.3); c.1739dup, p.Ile581Asnfs (NM_001408495.1); c.1721dup, p.Ile575Asnfs (NM_001408496.1, NM_001408497.1, NM_001408498.1 and 3 more transcripts); c.1718dup, p.Ile574Asnfs (NM_001408502.1, NM_001408503.1, NM_001408504.1); c.1715dup, p.Ile573Asnfs (NM_001408505.1); c.1658dup, p.Ile554Asnfs (NM_001408506.1); c.1655dup, p.Ile553Asnfs (NM_001408507.1); c.1646dup, p.Ile550Asnfs (NM_001408508.1); and 76 more; short protein forms I662fs, I1719fs, I1766fs, I1787fs.
Identifiers: ClinVar variation 481473 (VCV000481473.6), dbSNP rs1555575732, ClinGen allele CA658656653.
Genomic context (GRCh38, chr17:43,051,098, plus strand): 5'-CTCTGGGGTTCTCCCAGGCTCTTACCTGTGGGCATGTTGGTGAAGGGCCCATAGCAACAG[A>AT]TTTCTAGCCCCCTGAAGATCTGGAAGAAGAGAGGAAGAGAGAGGGACAGGGGAATGGAGA-3'